The following is an entry in ClinVar:

NM_133642.5(LARGE1):c.1962G>A (p.Glu654=)

Gene: LARGE1 (LARGE xylosyl- and glucuronyltransferase 1; minus strand). Cytogenetic location: 22q12.3.
Variant type: single nucleotide variant.
Coding change: c.1962G>A on transcript NM_133642.5 (MANE Select); coding-DNA position 1962, G replaced by A.
Protein change: p.Glu654=; no amino-acid change (glutamic acid 654 retained).
Molecular consequence: synonymous variant.
Genome position (GRCh38, 1-based): chr22:33,277,171, C>T on the plus strand (G>A on the coding strand, the complement: LARGE1 is on the minus strand). VCF-style: chr22-33277171-C-T. GRCh37 (hg19) VCF-style: chr22-33673157-C-T.
Other names: c.1962G>A, p.Glu654= (NM_001362949.2, NM_001362951.2, NM_001362953.2 and 4 more transcripts); c.1815G>A, p.Glu605= (NM_001378627.1, NM_001378628.1); c.1806G>A, p.Glu602= (NM_001378629.1); c.1359G>A, p.Glu453= (NM_001378630.1); c.1056G>A, p.Glu352= (NM_001378631.1).
Identifiers: ClinVar variation 194517 (VCV000194517.55), dbSNP rs141089495, ClinGen allele CA240533.

ClinVar aggregate classification (germline): Conflicting classifications of pathogenicity. Review status: criteria provided, conflicting classifications (1 of 4 stars). 8 submissions from 7 submitters: Uncertain significance (3); Likely benign (5). Last evaluated 2026-07-01.

Conditions:
Muscular dystrophy-dystroglycanopathy (congenital with brain and eye anomalies), type A6. Also called: WALKER-WARBURG SYNDROME OR MUSCLE-EYE-BRAIN DISEASE, LARGE-RELATED; MUSCULAR DYSTROPHY-DYSTROGLYCANOPATHY (CONGENITAL WITH BRAIN AND EYE ANOMALIES), TYPE A, 6. Identifiers: Orphanet 588, Orphanet 899, MedGen C3150414, MONDO:0013158, OMIM 613154.
Muscular dystrophy-dystroglycanopathy type B6 (MDDGB6). Also called: MUSCULAR DYSTROPHY-DYSTROGLYCANOPATHY (CONGENITAL WITH IMPAIRED INTELLECTUAL DEVELOPMENT), TYPE B, 6; MUSCULAR DYSTROPHY, CONGENITAL, LARGE-RELATED; MUSCULAR DYSTROPHY, CONGENITAL, TYPE 1D. Identifiers: MedGen C1837229, MONDO:0012138, OMIM 608840.

Allele frequency attached by ClinVar (database versions not stated): TOPMed 0.00060; ESP Exome Variant Server 0.00062; gnomAD exomes 0.00063; gnomAD 0.00066 and 0.00070; ExAC 0.00068.
gnomAD v4.1: 1,815 of 1,614,144 alleles (0.11%); highest among the groups gnomAD compares: Non-Finnish European, 0.14%; no homozygotes.

Submissions (8):

CeGaT Center for Human Genetics Tuebingen
Classification: Likely benign. Last evaluated: 2026-07-01. Review status: criteria provided, single submitter. Criteria: CeGaT Center For Human Genetics Tuebingen Variant Classification Criteria Version 2. Collection method: clinical testing. Allele origin: germline. Affected: yes. Observed: 3 variant alleles.
Comment: LARGE1: BP4, BP7

Labcorp Genetics (formerly Invitae), Labcorp
Classification: Likely benign for Muscular dystrophy-dystroglycanopathy type B6. Last evaluated: 2025-12-15. Review status: criteria provided, single submitter. Criteria: Invitae Variant Classification Sherloc (09022015). Collection method: clinical testing. Allele origin: germline.

Laboratory of Genetics, Children's Clinical University Hospital Latvia
Classification: Likely benign. Last evaluated: 2025-02-16. Review status: criteria provided, single submitter. Criteria: ACMG Guidelines, 2015. Collection method: clinical testing. Allele origin: germline. Affected: yes.

Blueprint Genetics
Classification: Likely benign. Last evaluated: 2024-11-23. Review status: criteria provided, single submitter. Criteria: ACMG Guidelines, 2015. Collection method: clinical testing. Allele origin: germline.

GeneDx
Classification: Likely benign. Last evaluated: 2021-01-08. Review status: criteria provided, single submitter. Criteria: GeneDx Variant Classification Process June 2021. Collection method: clinical testing. Allele origin: germline. Affected: yes.

Illumina Laboratory Services, Illumina
Classification: Uncertain significance for Muscular dystrophy-dystroglycanopathy type B6. Last evaluated: 2018-01-13. Review status: criteria provided, single submitter. Criteria: ICSL Variant Classification Criteria 13 December 2019. Collection method: clinical testing. Allele origin: germline.

Illumina Laboratory Services, Illumina
Classification: Uncertain significance for Muscular dystrophy-dystroglycanopathy (congenital with brain and eye anomalies), type A6. Last evaluated: 2018-01-13. Review status: criteria provided, single submitter. Criteria: ICSL Variant Classification Criteria 13 December 2019. Collection method: clinical testing. Allele origin: germline.

Eurofins Ntd Llc (ga)
Classification: Uncertain significance. Last evaluated: 2015-05-19. Review status: criteria provided, single submitter. Criteria: EGL Classification Definitions 2015. Collection method: clinical testing. Allele origin: germline. Observed: 1 variant allele, 1 heterozygote.